The following is an entry in ClinVar:

NM_000051.4(ATM):c.987A>G (p.Arg329=)

Gene: ATM (ATM serine/threonine kinase; plus strand). Cytogenetic location: 11q22.3.
Variant type: single nucleotide variant.
Coding change: c.987A>G on transcript NM_000051.4 (MANE Select); coding-DNA position 987, A replaced by G.
Protein change: p.Arg329=; no amino-acid change (arginine 329 retained).
Molecular consequence: synonymous variant.
Genome position (GRCh38, 1-based): chr11:108,247,049, A>G. VCF-style: chr11-108247049-A-G. GRCh37 (hg19) VCF-style: chr11-108117776-A-G.
Other names: c.987A>G, p.Arg329= (NM_001351834.2).
Identifiers: ClinVar variation 928225 (VCV000928225.6), dbSNP rs2079884541, ClinGen allele CA476671541.

ClinVar aggregate classification (germline): Benign/Likely benign. Review status: criteria provided, multiple submitters, no conflicts (2 of 4 stars). 3 submissions from 3 submitters: Benign (1); Likely benign (2). Last evaluated 2024-04-24.

Conditions:
Hereditary cancer-predisposing syndrome. Also called: Tumor predisposition; Hereditary neoplastic syndrome; Neoplastic Syndromes, Hereditary; Hereditary Cancer Syndrome. Identifiers: Orphanet 140162, MedGen C0027672, MeSH D009386, MONDO:0015356.
Familial cancer of breast. Also called: BREAST CANCER, FAMILIAL; hereditary breast carcinoma; Hereditary breast cancer. Identifiers: Orphanet 227535, MedGen C0346153, MONDO:0016419, OMIM 114480. Disease mechanism: loss of function.
Ataxia-telangiectasia syndrome (AT). Also called: Ataxia-telangiectasia, complementation group D; Cerebello-oculocutaneous telangiectasia; Immunodeficiency with ataxia telangiectasia; LOUIS-BAR SYNDROME; Ataxia-telangiectasia; AT, COMPLEMENTATION GROUP C. Identifiers: Orphanet 100, MedGen C0004135, MONDO:0008840, OMIM 208900.

Submissions (3):

Myriad Genetics, Inc.
Classification: Benign for Familial cancer of breast. Last evaluated: 2024-04-24. Review status: criteria provided, single submitter. Criteria: Myriad Autosomal Dominant, Autosomal Recessive and X-Linked Classification Criteria (2023). Collection method: clinical testing. Allele origin: unknown.
Comment: This variant is considered benign. This variant is a silent/synonymous amino acid change and it is not expected to impact splicing.

Labcorp Genetics (formerly Invitae), Labcorp
Classification: Likely benign for Ataxia-telangiectasia syndrome. Last evaluated: 2023-10-11. Review status: criteria provided, single submitter. Criteria: Invitae Variant Classification Sherloc (09022015). Collection method: clinical testing. Allele origin: germline.

Color Diagnostics, LLC DBA Color Health
Classification: Likely benign for Hereditary cancer-predisposing syndrome. Last evaluated: 2019-03-26. Review status: criteria provided, single submitter. Criteria: ACMG Guidelines, 2015. Collection method: clinical testing. Allele origin: germline.